The following is an entry in ClinVar:

NM_003922.4(HERC1):c.13635C>G (p.Asp4545Glu)

Gene: HERC1 (HECT and RLD domain containing E3 ubiquitin protein ligase family member 1; minus strand). Cytogenetic location: 15q22.31.
Variant type: single nucleotide variant.
Coding change: c.13635C>G on transcript NM_003922.4 (MANE Select); coding-DNA position 13635, C replaced by G.
Protein change: p.Asp4545Glu; replaces aspartic acid 4545 with glutamic acid.
Molecular consequence: missense variant.
Genome position (GRCh38, 1-based): chr15:63,622,868, G>C on the plus strand (C>G on the coding strand, the complement: HERC1 is on the minus strand). VCF-style: chr15-63622868-G-C. GRCh37 (hg19) VCF-style: chr15-63915067-G-C.
Other names: short protein forms D4545E.
Identifiers: ClinVar variation 1936492 (VCV001936492.5), dbSNP rs376314696, ClinGen allele CA7603685.

ClinVar aggregate classification (germline): Uncertain significance (1 of 4 stars; one submission).

Allele frequency attached by ClinVar (database versions not stated): gnomAD 0.00009; TOPMed 0.00009; ESP Exome Variant Server 0.00017; 1000 Genomes Project 30x 0.00031; 1000 Genomes Project 0.00040.
gnomAD v4.1: 23 of 1,604,068 alleles (0.0014%); highest among the groups gnomAD compares: African/African-American, 0.031%; no homozygotes.

Submission:

Labcorp Genetics (formerly Invitae), Labcorp
Classification: Uncertain significance. Last evaluated: 2022-11-01. Review status: criteria provided, single submitter. Criteria: Invitae Variant Classification Sherloc (09022015). Collection method: clinical testing. Allele origin: germline.
Comment: In summary, the available evidence is currently insufficient to determine the role of this variant in disease. Therefore, it has been classified as a Variant of Uncertain Significance. Algorithms developed to predict the effect of missense changes on protein structure and function (SIFT, PolyPhen-2, Align-GVGD) all suggest that this variant is likely to be disruptive. This variant has not been reported in the literature in individuals affected with HERC1-related conditions. This variant is present in population databases (rs376314696, gnomAD 0.02%). This sequence change replaces aspartic acid, which is acidic and polar, with glutamic acid, which is acidic and polar, at codon 4545 of the HERC1 protein (p.Asp4545Glu).